The following is an entry in ClinVar:

NM_006295.3(VARS1):c.3203C>A (p.Thr1068Lys)

Gene: VARS1 (valyl-tRNA synthetase 1; minus strand). Cytogenetic location: 6p21.33.
Variant type: single nucleotide variant.
Coding change: c.3203C>A on transcript NM_006295.3 (MANE Select); coding-DNA position 3203, C replaced by A.
Protein change: p.Thr1068Lys; replaces threonine 1068 with lysine.
Molecular consequence: missense variant.
Genome position (GRCh38, 1-based): chr6:31,779,693, G>T on the plus strand (C>A on the coding strand, the complement: VARS1 is on the minus strand). VCF-style: chr6-31779693-G-T. GRCh37 (hg19) VCF-style: chr6-31747470-G-T.
Other names: short protein forms T1068K.
Identifiers: ClinVar variation 3340106 (VCV003340106.2).

ClinVar aggregate classification (germline): Likely pathogenic (1 of 4 stars; one submission).

Conditions:
Neurodevelopmental disorder with microcephaly, seizures, and cortical atrophy. Identifiers: MedGen C4540493, MONDO:0060621, OMIM 617802.

Submission:

Pediatrics, Sichuan Provincial Hospital For Women And Children
Classification: Likely pathogenic for Neurodevelopmental disorder with microcephaly, seizures, and cortical atrophy. Last evaluated: 2023-03-06. Review status: criteria provided, single submitter. Criteria: ACMG Guidelines, 2015. Collection method: provider interpretation. Allele origin: paternal. Inheritance: Autosomal recessive inheritance. Affected: yes. Observed: 1 hemizygote.
Comment: ACGM: PM1+PM2_Supporting+PM3+ PP3+PP4 PM1: VARS1 gene variant c.3203C>T is located in the mutation hotspot region and in the Valyl-tRNA synthetase domain, which is Key functional domain of VARS1 gene. PM2_Supporting: This variant occurs very infrequently in the ExAC, gnomAD, Thousand-genome Asian population database. Complex heterogous variants were detected in one of the affected deceased persons, respectively from the parents, c.1031C>A (VUS) /c.3203C>T (VUS), PMID:36658419. PP3: Various mutation prediction software indicate that the missense mutation may be harmful. PP4: The client's clinical symptoms are consistent with the dominant phenotype of NDMSCA. Based on the evidence outlined above, the variant was classified as likely pathogenic.

Literature cited by the submitters: PMC 3752793.